The following is an entry in ClinVar:

NM_000360.4(TH):c.850G>A (p.Gly284Ser)

Gene: TH (tyrosine hydroxylase; minus strand). Cytogenetic location: 11p15.5.
Variant type: single nucleotide variant.
Coding change: c.850G>A on transcript NM_000360.4 (MANE Select); coding-DNA position 850, G replaced by A.
Protein change: p.Gly284Ser; replaces glycine 284 with serine.
Molecular consequence: missense variant.
Genome position (GRCh38, 1-based): chr11:2,166,760, C>T on the plus strand (G>A on the coding strand, the complement: TH is on the minus strand). VCF-style: chr11-2166760-C-T. GRCh37 (hg19) VCF-style: chr11-2187990-C-T.
Other names: c.943G>A, p.Gly315Ser (NM_199292.3); c.931G>A, p.Gly311Ser (NM_199293.3); short protein forms G315S, G284S, G311S.
Identifiers: ClinVar variation 558576 (VCV000558576.16), dbSNP rs1288483479, ClinGen allele CA379126405.

ClinVar aggregate classification (germline): Pathogenic/Likely pathogenic. Review status: criteria provided, multiple submitters, no conflicts (2 of 4 stars). 7 submissions from 7 submitters: Pathogenic (4); Likely pathogenic (2). 1 of the submissions does not count toward it. Last evaluated 2024-05-13.

Conditions:
TH-deficient dopa-responsive dystonia. Also called: Tyrosine Hydroxylase-Deficient Dopa-Responsive Dystonia; Segawa syndrome, autosomal recessive; DYT-TH. Identifiers: Orphanet 101150, MedGen C2673535, MONDO:0011551, OMIM 605407.

Allele frequency attached by ClinVar (database versions not stated): gnomAD exomes 0.00001; TOPMed 0.00001.

Submissions (7):

Natera, Inc.
Classification: Pathogenic for Autosomal recessive Segawa syndrome. Last evaluated: 2024-05-13. Review status: criteria provided, single submitter. Criteria: Natera Variant Classification Schema (03/2026). Collection method: clinical testing. Allele origin: germline.
Comment: The c.943G>A variant in TH is a missense variant predicted to cause substitution of glycine to serine at amino acid 315. This variant is rare in the general population with a frequency below the threshold expected for the associated phenotype(s). This variant has been observed in one or more individuals affected with the associated recessive disease, as either homozygous or compound heterozygous with a second variant (PMID: 30109838, 25758715, 22264700). Computational prediction algorithms indicate this variant is likely to affect gene or protein function. Given the available evidence, this variant is classified as Pathogenic.

Baylor Genetics
Classification: Pathogenic for TH-deficient dopa-responsive dystonia. Last evaluated: 2024-03-28. Review status: criteria provided, single submitter. Criteria: ACMG Guidelines, 2015. Collection method: clinical testing. Allele origin: unknown.

Labcorp Genetics (formerly Invitae), Labcorp
Classification: Pathogenic for TH-deficient dopa-responsive dystonia. Last evaluated: 2024-03-17. Review status: criteria provided, single submitter. Criteria: Invitae Variant Classification Sherloc (09022015). Collection method: clinical testing. Allele origin: germline.
Comment: This sequence change replaces glycine, which is neutral and non-polar, with serine, which is neutral and polar, at codon 315 of the TH protein (p.Gly315Ser). This variant is present in population databases (no rsID available, gnomAD 0.01%). This missense change has been observed in individual(s) with clinical features of tyrosine hydroxylase deficiency (PMID: 22264700, 25758715, 28087438, 32005694). In at least one individual the data is consistent with being in trans (on the opposite chromosome) from a pathogenic variant. ClinVar contains an entry for this variant (Variation ID: 558576). Advanced modeling of protein sequence and biophysical properties (such as structural, functional, and spatial information, amino acid conservation, physicochemical variation, residue mobility, and thermodynamic stability) has been performed at Invitae for this missense variant, however the output from this modeling did not meet the statistical confidence thresholds required to predict the impact of this variant on TH protein function. For these reasons, this variant has been classified as Pathogenic.

Women's Health and Genetics/Laboratory Corporation of America, LabCorp
Classification: Pathogenic for TH-deficient dopa-responsive dystonia. Last evaluated: 2023-07-24. Review status: criteria provided, single submitter. Criteria: LabCorp Variant Classification Summary - May 2015. Collection method: clinical testing. Allele origin: germline.
Comment: Variant summary: TH c.943G>A (p.Gly315Ser) results in a non-conservative amino acid change located in the Aromatic amino acid hydroxylase, C-terminal domain (IPR019774) of the encoded protein sequence. Five of five in-silico tools predict a damaging effect of the variant on protein function. The variant allele was found at a frequency of 7e-06 in 143142 control chromosomes (gnomAD). c.943G>A has been reported in the literature in multiple individuals with clinical features of tyrosine hydroxylase deficiency (example: Mak_2010, Chi_2012, Mercimek-Mahmutoglu_2015, Cordeiro_2018, and Dong_2020). These data indicate that the variant is very likely to be associated with disease. The following publications have been ascertained in the context of this evaluation (PMID: 22264700, 30109838, 32005694, 20056467, 25758715). Three submitters have cited clinical-significance assessments for this variant to ClinVar after 2014. All submitters classified the variant as pathogenic/likely pathogenic. Based on the evidence outlined above, the variant was classified as pathogenic.

Revvity Omics, Revvity
Classification: Likely pathogenic for TH-deficient dopa-responsive dystonia. Last evaluated: 2020-05-05. Review status: criteria provided, single submitter. Criteria: ACMG Guidelines, 2015. Collection method: clinical testing. Allele origin: germline.

Juno Genomics, Hangzhou Juno Genomics, Inc
Classification: Likely pathogenic for TH-deficient dopa-responsive dystonia. Review status: criteria provided, single submitter. Criteria: ACMG Guidelines, 2015. Collection method: clinical testing. Allele origin: germline.
Comment: Absent from controls (or at extremely low frequency if recessive) in Genome Aggregation Database.;Multiple lines of computational evidence support a deleterious effect on the gene or gene product.;For recessive disorders, detected in trans with a pathogenic variant.;Patient's phenotype or family history is highly specific for a disease with a single genetic etiology.

Counsyl
Classification: Likely pathogenic for TH-deficient dopa-responsive dystonia. Last evaluated: 2018-05-29. Review status: no assertion criteria provided. Collection method: clinical testing. Allele origin: unknown. Not counted in ClinVar's aggregate classification.

Literature cited by the submitters: PubMed 30109838 (cited by Natera, Inc. and Women's Health and Genetics/Laboratory Corporation of America, LabCorp); PubMed 25758715 (cited by 4 submitters); PubMed 22264700 (cited by 4 submitters); PubMed 28087438 (cited by Labcorp Genetics (formerly Invitae), Labcorp and Counsyl); PubMed 32005694 (cited by Labcorp Genetics (formerly Invitae), Labcorp and Women's Health and Genetics/Laboratory Corporation of America, LabCorp); PubMed 20056467 (cited by Women's Health and Genetics/Laboratory Corporation of America, LabCorp and Counsyl).